The following is an entry in ClinVar:

NM_000260.4(MYO7A):c.133-7C>T

Gene: MYO7A (myosin VIIA; plus strand). Cytogenetic location: 11q13.5.
Variant type: single nucleotide variant.
Coding change: c.133-7C>T on transcript NM_000260.4 (MANE Select); 7 bases into the intron before coding-DNA position 133, C replaced by T.
Molecular consequence: intron variant.
Genome position (GRCh38, 1-based): chr11:77,147,791, C>T. VCF-style: chr11-77147791-C-T. GRCh37 (hg19) VCF-style: chr11-76858837-C-T.
Other names: c.100-7C>T (NM_001369365.1); c.133-7C>T (NM_001127180.2).
Identifiers: ClinVar variation 43141 (VCV000043141.61), dbSNP rs111033221, ClinGen allele CA132204.
Genomic context (GRCh38, chr11:77,147,791, plus strand): 5'-GGCCCCTTCCCCTGAAGTGCGCAGCCTGGGCCCCAGGAGAGCACGCTGACGTTCTGGCTC[C>T]CCGCAGGAACACTGGATCTCTCCGCAGAACGCAACGCACATCAAGCCTATGCACCCCACG-3'

ClinVar aggregate classification (germline): Conflicting classifications of pathogenicity. Review status: criteria provided, conflicting classifications (1 of 4 stars). 14 submissions from 12 submitters: Uncertain significance (1); Benign (6); Likely benign (4). 3 of the submissions do not count toward it. Last evaluated 2026-02-01.

Conditions:
Usher syndrome type 1 (USH1). Also called: RETINITIS PIGMENTOSA AND CONGENITAL DEAFNESS. Identifiers: Orphanet 231169, Orphanet 886, MedGen C1568247, MONDO:0010168, OMIM 276900.
Autosomal recessive nonsyndromic hearing loss 2. Also called: NEUROSENSORY NONSYNDROMIC RECESSIVE DEAFNESS 2; DEAFNESS, AUTOSOMAL RECESSIVE 2. Identifiers: Orphanet 90636, MedGen C1838701, MONDO:0010807, OMIM 600060.
Autosomal dominant nonsyndromic hearing loss 11. Identifiers: Orphanet 90635, MedGen C1832475, MONDO:0011032, OMIM 601317.
Usher syndrome type 1B (USH1B). Also called: Usher syndrome type IB. Identifiers: MedGen C1848638, MONDO:0700087.

Allele frequency attached by ClinVar (database versions not stated): 1000 Genomes Project 30x 0.00109; 1000 Genomes Project 0.00140; ESP Exome Variant Server 0.00415; TOPMed 0.00465.
gnomAD v4.1: 10,446 of 1,609,244 alleles (0.65%); highest among the groups gnomAD compares: Non-Finnish European, 0.78%; 48 homozygotes.

Submissions (14):

CeGaT Center for Human Genetics Tuebingen
Classification: Likely benign. Last evaluated: 2026-02-01. Review status: criteria provided, single submitter. Criteria: CeGaT Center For Human Genetics Tuebingen Variant Classification Criteria Version 2. Collection method: clinical testing. Allele origin: germline. Affected: yes. Observed: 15 variant alleles.
Comment: MYO7A: BP4, BS2

Labcorp Genetics (formerly Invitae), Labcorp
Classification: Benign. Last evaluated: 2026-02-01. Review status: criteria provided, single submitter. Criteria: Invitae Variant Classification Sherloc (09022015). Collection method: clinical testing. Allele origin: germline.

ARUP Laboratories, Molecular Genetics and Genomics, ARUP Laboratories
Classification: Likely benign. Last evaluated: 2023-10-11. Review status: criteria provided, single submitter. Criteria: ARUP Molecular Germline Variant Investigation Process 2024. Collection method: clinical testing. Allele origin: germline.

Institute of Human Genetics, University of Leipzig Medical Center
Classification: Likely benign for Autosomal dominant nonsyndromic hearing loss 11. Last evaluated: 2019-01-01. Review status: criteria provided, single submitter. Criteria: ACMG Guidelines, 2015. Collection method: clinical testing. Allele origin: unknown. Affected: yes.

Athena Diagnostics
Classification: Benign. Last evaluated: 2018-08-31. Review status: criteria provided, single submitter. Criteria: Athena Diagnostics Criteria. Collection method: clinical testing. Allele origin: germline.

Illumina Laboratory Services, Illumina
Classification: Uncertain significance for Autosomal recessive nonsyndromic hearing loss 2. Last evaluated: 2018-01-13. Review status: criteria provided, single submitter. Criteria: ICSL Variant Classification Criteria 13 December 2019. Collection method: clinical testing. Allele origin: germline.

Illumina Laboratory Services, Illumina
Classification: Benign for Autosomal dominant nonsyndromic hearing loss 11. Last evaluated: 2018-01-13. Review status: criteria provided, single submitter. Criteria: ICSL Variant Classification Criteria 13 December 2019. Collection method: clinical testing. Allele origin: germline.
Comment: This variant was observed in the ICSL laboratory as part of a predisposition screen in an ostensibly healthy population. It had not been previously curated by ICSL or reported in the Human Gene Mutation Database (HGMD: prior to June 1st, 2018), and was therefore a candidate for classification through an automated scoring system. Utilizing variant allele frequency, disease prevalence and penetrance estimates, and inheritance mode, an automated score was calculated to assess if this variant is too frequent to cause the disease. Based on the score and internal cut-off values, a variant classified as benign is not then subjected to further curation. The score for this variant resulted in a classification of benign for this disease.

Illumina Laboratory Services, Illumina
Classification: Likely benign for Usher syndrome type 1. Last evaluated: 2018-01-13. Review status: criteria provided, single submitter. Criteria: ICSL Variant Classification Criteria 13 December 2019. Collection method: clinical testing. Allele origin: germline.
Comment: This variant was observed in the ICSL laboratory as part of a predisposition screen in an ostensibly healthy population. It had not been previously curated by ICSL or reported in the Human Gene Mutation Database (HGMD: prior to June 1st, 2018), and was therefore a candidate for classification through an automated scoring system. Utilizing variant allele frequency, disease prevalence and penetrance estimates, and inheritance mode, an automated score was calculated to assess if this variant is too frequent to cause the disease. Based on the score and internal cut-off values, a variant classified as likely benign is not then subjected to further curation. The score for this variant resulted in a classification of likely benign for this disease.

Eurofins Ntd Llc (ga)
Classification: Benign. Last evaluated: 2016-09-29. Review status: criteria provided, single submitter. Criteria: EGL Classification Definitions 2015. Collection method: clinical testing. Allele origin: germline. Observed: 1 variant allele, 1 heterozygote.

GeneDx
Classification: Benign. Last evaluated: 2013-01-24. Review status: criteria provided, single submitter. Criteria: GeneDx Variant Classification (06012015). Collection method: clinical testing. Allele origin: germline. Affected: yes.
Comment: This variant is considered likely benign or benign based on one or more of the following criteria: it is a conservative change, it occurs at a poorly conserved position in the protein, it is predicted to be benign by multiple in silico algorithms, and/or has population frequency not consistent with disease.

Laboratory for Molecular Medicine, Mass General Brigham Personalized Medicine
Classification: Benign. Last evaluated: 2010-07-13. Review status: criteria provided, single submitter. Criteria: LMM Criteria. Collection method: clinical testing. Allele origin: germline. Observed: 16 variant alleles.
Comment: This c.133-7C>T variant is not predicted to have clinical significance based on its occurrence at an equal frequency in cases and controls (Weston et al. 1996).

Natera, Inc.
Classification: Benign for Usher syndrome type 1B. Last evaluated: 2020-09-16. Review status: no assertion criteria provided. Collection method: clinical testing. Allele origin: germline. Not counted in ClinVar's aggregate classification.

Clinical Genetics DNA and cytogenetics Diagnostics Lab, Erasmus MC, Erasmus Medical Center
Classification: Likely benign. Review status: no assertion criteria provided. Collection method: clinical testing. Allele origin: germline. Affected: yes. Study: VKGL Data-share Consensus. Not counted in ClinVar's aggregate classification.

Clinical Genetics, Academic Medical Center
Classification: Benign. Review status: no assertion criteria provided. Collection method: clinical testing. Allele origin: germline. Affected: yes. Study: VKGL Data-share Consensus. Not counted in ClinVar's aggregate classification.

Literature cited by the submitters: PubMed 8900236 (cited by Laboratory for Molecular Medicine, Mass General Brigham Personalized Medicine).